The following is an entry in ClinVar:

NM_012096.3(APPL1):c.1883A>T (p.His628Leu)

Gene: APPL1 (adaptor protein, phosphotyrosine interacting with PH domain and leucine zipper 1; plus strand). Cytogenetic location: 3p14.3.
Variant type: single nucleotide variant.
Coding change: c.1883A>T on transcript NM_012096.3 (MANE Select); coding-DNA position 1883, A replaced by T.
Protein change: p.His628Leu; replaces histidine 628 with leucine.
Molecular consequence: missense variant.
Genome position (GRCh38, 1-based): chr3:57,267,782, A>T. VCF-style: chr3-57267782-A-T. GRCh37 (hg19) VCF-style: chr3-57301810-A-T.
Other names: short protein forms H628L.
Identifiers: ClinVar variation 3358292 (VCV003358292.1).

ClinVar aggregate classification (germline): Uncertain significance (0 of 4 stars; one submission).

Conditions:
APPL1-related disorder. Also called: APPL1-related condition.

gnomAD v4.1: 2 of 1,613,664 alleles (0.00012%); highest among the groups gnomAD compares: African/African-American, 0.0027%; no homozygotes.

Submission:

PreventionGenetics, part of Exact Sciences
Classification: Uncertain significance for APPL1-related condition. Last evaluated: 2024-08-22. Review status: no assertion criteria provided. Collection method: clinical testing. Allele origin: germline.
Comment: The APPL1 c.1883A>T variant is predicted to result in the amino acid substitution p.His628Leu. To our knowledge, this variant has not been reported in the literature. This variant is reported in 0.0062% of alleles in individuals of African descent in gnomAD. At this time, the clinical significance of this variant is uncertain due to the absence of conclusive functional and genetic evidence.